The following is an entry in ClinVar:

NM_025132.4(WDR19):c.825_830del (p.Lys275_Asp276del)

Gene: WDR19 (WD repeat domain 19; plus strand). Cytogenetic location: 4p14.
Variant type: Deletion.
Coding change: c.825_830del on transcript NM_025132.4 (MANE Select); coding-DNA positions 825 to 830, 6 bases deleted (AGATAA; older notation c.825_830delAGATAA).
Protein change: p.Lys275_Asp276del.
Molecular consequence: inframe deletion.
Genome position (GRCh38, 1-based): chr4:39,205,671-39,205,676, AGATAA deleted; deleting any 6 consecutive bases within chr4:39,205,667-39,205,676 gives the same sequence; the c. name uses the placement nearest the transcript's 3' end. VCF-style (leftmost placement, unchanged base first): chr4-39205666-CATAAAG-C. GRCh37 (hg19) VCF-style: chr4-39207286-CATAAAG-C.
Other names: c.345_350del, p.Lys115_Asp116del (NM_001317924.2).
Identifiers: ClinVar variation 2018099 (VCV002018099.4), dbSNP rs2475085044, ClinGen allele CA2580070990.

ClinVar aggregate classification (germline): Uncertain significance (1 of 4 stars; one submission).

Conditions:
Senior-Loken syndrome 8 (SLSN8). Identifiers: Orphanet 3156, MedGen C4225376, MONDO:0014579, OMIM 616307.
Asphyxiating thoracic dystrophy 5 (SRTD5). Also called: SHORT-RIB THORACIC DYSPLASIA 5 WITHOUT POLYDACTYLY; SHORT-RIB THORACIC DYSPLASIA 5 WITH OR WITHOUT POLYDACTYLY. Identifiers: Orphanet 474, MedGen C3280598, MONDO:0013717, OMIM 614376.

Submission:

Labcorp Genetics (formerly Invitae), Labcorp
Classification: Uncertain significance for Senior-Loken syndrome 8; Asphyxiating thoracic dystrophy 5. Last evaluated: 2024-10-16. Review status: criteria provided, single submitter. Criteria: Invitae Variant Classification Sherloc (09022015). Collection method: clinical testing. Allele origin: germline.
Comment: This variant, c.825_830del, results in the deletion of 2 amino acid(s) of the WDR19 protein (p.Lys275_Asp276del), but otherwise preserves the integrity of the reading frame. This variant is not present in population databases (gnomAD no frequency). This variant has not been reported in the literature in individuals affected with WDR19-related conditions. ClinVar contains an entry for this variant (Variation ID: 2018099). Experimental studies and prediction algorithms are not available or were not evaluated, and the functional significance of this variant is currently unknown. In summary, the available evidence is currently insufficient to determine the role of this variant in disease. Therefore, it has been classified as a Variant of Uncertain Significance.